The following is an entry in ClinVar:

NM_016169.4(SUFU):c.158A>G (p.Gln53Arg)

Gene: SUFU (SUFU negative regulator of hedgehog signaling; plus strand). Cytogenetic location: 10q24.32.
Variant type: single nucleotide variant.
Coding change: c.158A>G on transcript NM_016169.4 (MANE Select); coding-DNA position 158, A replaced by G.
Protein change: p.Gln53Arg; replaces glutamine 53 with arginine.
Molecular consequence: missense variant.
Genome position (GRCh38, 1-based): chr10:102,504,310, A>G. VCF-style: chr10-102504310-A-G. GRCh37 (hg19) VCF-style: chr10-104264067-A-G.
Other names: c.158A>G, p.Gln53Arg (NM_001178133.2); short protein forms Q53R.
Identifiers: ClinVar variation 641480 (VCV000641480.13), dbSNP rs1589970174, ClinGen allele CA377886697.

ClinVar aggregate classification (germline): Uncertain significance. Review status: criteria provided, multiple submitters, no conflicts (2 of 4 stars). 2 submissions from 2 submitters: Uncertain significance (2). Last evaluated 2022-02-02.

Conditions:
Gorlin syndrome. Also called: Basal cell nevus syndrome; Nevoid Basal Cell Carcinoma Syndrome. Identifiers: Orphanet 377, MedGen C0004779, MONDO:0007187.
Medulloblastoma (MDB). Also called: MEDULLOBLASTOMA PREDISPOSITION SYNDROME; Medulloblastoma, somatic. Identifiers: Orphanet 616, MedGen C0025149, MeSH D008527, MONDO:0007959, OMIM 155255, HP:0002885.
Hereditary cancer-predisposing syndrome. Also called: Neoplastic Syndromes, Hereditary; Hereditary Cancer Syndrome; Hereditary neoplastic syndrome; Tumor predisposition. Identifiers: Orphanet 140162, MedGen C0027672, MeSH D009386, MONDO:0015356.

Submissions (2):

Ambry Genetics
Classification: Uncertain significance for Hereditary cancer-predisposing syndrome. Last evaluated: 2022-02-02. Review status: criteria provided, single submitter. Criteria: Ambry Variant Classification Scheme 2023. Collection method: clinical testing. Allele origin: germline.
Comment: The p.Q53R variant (also known as c.158A>G), located in coding exon 1 of the SUFU gene, results from an A to G substitution at nucleotide position 158. The glutamine at codon 53 is replaced by arginine, an amino acid with highly similar properties. This amino acid position is conserved. In addition, this alteration is predicted to be deleterious by in silico analysis. Since supporting evidence is limited at this time, the clinical significance of this alteration remains unclear.

Labcorp Genetics (formerly Invitae), Labcorp
Classification: Uncertain significance for Gorlin syndrome; Medulloblastoma. Last evaluated: 2019-04-11. Review status: criteria provided, single submitter. Criteria: Invitae Variant Classification Sherloc (09022015). Collection method: clinical testing. Allele origin: germline.
Comment: In summary, the available evidence is currently insufficient to determine the role of this variant in disease. Therefore, it has been classified as a Variant of Uncertain Significance. Algorithms developed to predict the effect of missense changes on protein structure and function are either unavailable or do not agree on the potential impact of this missense change (SIFT: "Deleterious"; PolyPhen-2: "Possibly Damaging"; Align-GVGD: "Class C0"). This variant has not been reported in the literature in individuals with SUFU-related disease. This variant is not present in population databases (ExAC no frequency). This sequence change replaces glutamine with arginine at codon 53 of the SUFU protein (p.Gln53Arg). The glutamine residue is highly conserved and there is a small physicochemical difference between glutamine and arginine.